The following is an entry in ClinVar:

NM_153490.3(KRT13):c.*274T>C

Gene: KRT13 (keratin 13; minus strand). Cytogenetic location: 17q21.2.
Variant type: single nucleotide variant.
Coding change: c.*274T>C on transcript NM_153490.3 (MANE Select); 274 bases downstream of the stop codon, T replaced by C.
Molecular consequence: 3 prime UTR variant.
Genome position (GRCh38, 1-based): chr17:41,500,982, A>G on the plus strand (T>C on the coding strand, the complement: KRT13 is on the minus strand). VCF-style: chr17-41500982-A-G. GRCh37 (hg19) VCF-style: chr17-39657234-A-G.
Other names: c.*362T>C (NM_002274.4).
Identifiers: ClinVar variation 892504 (VCV000892504.4), dbSNP rs141918873, ClinGen allele CA290688169.
Genomic context (GRCh38, chr17:41,500,982, plus strand): 5'-CACCCGCTAAACCAGGGCCCTAGCAGGGGCCACCTAAGAAACCAGGCCAGAATCAAAAAT[A>G]TGTTTGCAGAAAGGCAGGAAACTTTATTGAATAATCTTTTCTTTGGGGTAGAGAAGTTGA-3'

ClinVar aggregate classification (germline): Benign (1 of 4 stars; one submission).

Conditions:
White sponge nevus 2 (WSN2). Identifiers: MedGen C4014321, MONDO:0014346, OMIM 615785.

Allele frequency attached by ClinVar (database versions not stated): gnomAD exomes 0.00014; 1000 Genomes Project 30x 0.00047; 1000 Genomes Project 0.00060; gnomAD 0.00108 and 0.00117; TOPMed 0.00113.
gnomAD v4.1: 192 of 362,096 alleles (0.053%); highest among the groups gnomAD compares: African/African-American, 0.37%; 1 homozygote.

Submission:

Illumina Laboratory Services, Illumina
Classification: Benign for White sponge nevus 2. Last evaluated: 2018-01-13. Review status: criteria provided, single submitter. Criteria: ICSL Variant Classification Criteria 13 December 2019. Collection method: clinical testing. Allele origin: germline.
Comment: This variant was observed in the ICSL laboratory as part of a predisposition screen in an ostensibly healthy population. It had not been previously curated by ICSL or reported in the Human Gene Mutation Database (HGMD: prior to June 1st, 2018), and was therefore a candidate for classification through an automated scoring system. Utilizing variant allele frequency, disease prevalence and penetrance estimates, and inheritance mode, an automated score was calculated to assess if this variant is too frequent to cause the disease. Based on the score and internal cut-off values, a variant classified as benign is not then subjected to further curation. The score for this variant resulted in a classification of benign for this disease.